The following is an entry in ClinVar:

NM_016729.3(FOLR1):c.493G>T (p.Gly165Trp)

Genes: FOLR1-AS1 (FOLR1 antisense RNA 1; minus strand), FOLR1 (folate receptor alpha; plus strand). Cytogenetic location: 11q13.4.
Variant type: single nucleotide variant.
Coding change: c.493G>T on transcript NM_016729.3 (MANE Select); coding-DNA position 493, G replaced by T.
Protein change: p.Gly165Trp; replaces glycine 165 with tryptophan.
Molecular consequence: missense variant.
Genome position (GRCh38, 1-based): chr11:72,195,747, G>T. VCF-style: chr11-72195747-G-T. GRCh37 (hg19) VCF-style: chr11-71906791-G-T.
Other names: c.493G>T, p.Gly165Trp (NM_000802.3, NM_016724.3, NM_016725.3); short protein forms G165W.
Identifiers: ClinVar variation 1310979 (VCV001310979.2), dbSNP rs913171756, ClinGen allele CA224405250.
Genomic context (GRCh38, chr11:72,195,747, plus strand): 5'-GATTGTCGCACCTCCTACACCTGCAAGAGCAACTGGCACAAGGGCTGGAACTGGACTTCA[G>T]GTGAGGGCTGGGGTGGGCAGGAATGGAGGGATTTGGAAGTGGAGGTGTGTGGGTGTGGAA-3'
Protein context (NP_057941.1, residues 155-175): NWHKGWNWTS[Gly165Trp]FNKCAVGAAC

ClinVar aggregate classification (germline): Uncertain significance (1 of 4 stars; one submission).

Allele frequency attached by ClinVar (database versions not stated): TOPMed below 0.00001; gnomAD exomes 0.00002.
gnomAD v4.1: 25 of 1,614,244 alleles (0.0015%); highest among the groups gnomAD compares: Non-Finnish European, 0.002%; no homozygotes.

Submission:

GeneDx
Classification: Uncertain significance. Last evaluated: 2019-12-16. Review status: criteria provided, single submitter. Criteria: GeneDx Variant Classification Process June 2021. Collection method: clinical testing. Allele origin: germline. Affected: yes.
Comment: Not observed in large population cohorts (Lek et al., 2016); In silico analysis, which includes protein predictors and evolutionary conservation, supports a deleterious effect; Has not been previously published as pathogenic or benign to our knowledge